The following is an entry in ClinVar:

NM_001330260.2(SCN8A):c.2493A>T (p.Glu831Asp)

Gene: SCN8A (sodium voltage-gated channel alpha subunit 8; plus strand). Cytogenetic location: 12q13.13.
Variant type: single nucleotide variant.
Coding change: c.2493A>T on transcript NM_001330260.2 (MANE Select); coding-DNA position 2493, A replaced by T.
Protein change: p.Glu831Asp; replaces glutamic acid 831 with aspartic acid.
Molecular consequence: missense variant.
Genome position (GRCh38, 1-based): chr12:51,762,625, A>T. VCF-style: chr12-51762625-A-T. GRCh37 (hg19) VCF-style: chr12-52156409-A-T.
Other names: c.2493A>T, p.Glu831Asp (NM_001177984.3, NM_001369788.1, NM_014191.4); short protein forms E831D.
Identifiers: ClinVar variation 588976 (VCV000588976.6), dbSNP rs1565915374, ClinGen allele CA384884420.
Genomic context (GRCh38, chr12:51,762,625, plus strand): 5'-TTATTTCCAAGAAGGTTGGAACATTTTTGACGGATTTATTGTCTCCCTCAGTTTAATGGA[A>T]CTGAGTCTAGCAGACGTGGAGGGGCTTTCAGTGCTGCGATCTTTCCGATTGGTATTCCAT-3'
Protein context (NP_001317189.1, residues 821-841): DGFIVSLSLM[Glu831Asp]LSLADVEGLS

ClinVar aggregate classification (germline): Uncertain significance (1 of 4 stars; one submission).

Conditions:
Inborn genetic diseases. Identifiers: MedGen C0950123, MeSH D030342.

Submission:

Ambry Genetics
Classification: Uncertain significance for Inborn genetic diseases. Last evaluated: 2017-04-19. Review status: criteria provided, single submitter. Criteria: Ambry Variant Classification Scheme 2023. Collection method: clinical testing. Allele origin: germline.
Comment: The p.E831D variant (also known as c.2493A>T), located in coding exon 14 of the SCN8A gene, results from an A to T substitution at nucleotide position 2493. The glutamic acid at codon 831 is replaced by aspartic acid, an amino acid with highly similar properties. This amino acid position is highly conserved in available vertebrate species. In addition, this alteration is predicted to be deleterious by in silico analysis. Since supporting evidence is limited at this time, the clinical significance of this variant remains unclear.